The following is an entry in ClinVar:

ClinVar aggregate classification (germline): Uncertain significance (1 of 4 stars; one submission).

Allele frequency attached by ClinVar (database versions not stated): ExAC 0.00001; gnomAD exomes 0.00001.
gnomAD v4.1: 3 of 1,613,952 alleles (0.00019%); highest among the groups gnomAD compares: Admixed American, 0.005%; no homozygotes.

Submission:

Labcorp Genetics (formerly Invitae), Labcorp
Classification: Uncertain significance. Last evaluated: 2025-12-24. Review status: criteria provided, single submitter. Criteria: Invitae Variant Classification Sherloc (09022015). Collection method: clinical testing. Allele origin: germline.
Comment: This sequence change replaces arginine, which is basic and polar, with glycine, which is neutral and non-polar, at codon 272 of the FZD4 protein (p.Arg272Gly). This variant is present in population databases (rs771381203, gnomAD 0.009%). This variant has not been reported in the literature in individuals affected with FZD4-related conditions. ClinVar contains an entry for this variant (Variation ID: 1477937). Invitae Evidence Modeling of protein sequence and biophysical properties (such as structural, functional, and spatial information, amino acid conservation, physicochemical variation, residue mobility, and thermodynamic stability) indicates that this missense variant is not expected to disrupt FZD4 protein function with a negative predictive value of 80%. In summary, the available evidence is currently insufficient to determine the role of this variant in disease. Therefore, it has been classified as a Variant of Uncertain Significance.

NM_012193.4(FZD4):c.814A>G (p.Arg272Gly)

Genes: FZD4 (frizzled class receptor 4; minus strand), PRSS23 (serine protease 23; plus strand). Cytogenetic location: 11q14.2.
Variant type: single nucleotide variant.
Coding change: c.814A>G on transcript NM_012193.4 (MANE Select); coding-DNA position 814, A replaced by G.
Protein change: p.Arg272Gly; replaces arginine 272 with glycine.
Molecular consequence: missense variant. On other transcripts: non-coding transcript variant (2).
Genome position (GRCh38, 1-based): chr11:86,951,942, T>C on the plus strand (A>G on the coding strand, the complement: FZD4 is on the minus strand). VCF-style: chr11-86951942-T-C. GRCh37 (hg19) VCF-style: chr11-86662984-T-C.
Other names: short protein forms R272G.
Identifiers: ClinVar variation 1477937 (VCV001477937.8), dbSNP rs771381203, ClinGen allele CA6218411.